The following is an entry in ClinVar:

ClinVar aggregate classification (germline): Uncertain significance (1 of 4 stars; one submission).

Conditions:
Primary ciliary dyskinesia. Also called: Ciliary dyskinesia. Identifiers: Orphanet 244, MedGen C0008780, MONDO:0016575, HP:0012265.

gnomAD v4.1: 2 of 1,607,914 alleles (0.00012%); highest among the groups gnomAD compares: Non-Finnish European, 0.00017%; no homozygotes.

Submission:

Labcorp Genetics (formerly Invitae), Labcorp
Classification: Uncertain significance for Primary ciliary dyskinesia. Last evaluated: 2024-05-25. Review status: criteria provided, single submitter. Criteria: Invitae Variant Classification Sherloc (09022015). Collection method: clinical testing. Allele origin: germline.
Comment: This sequence change replaces lysine, which is basic and polar, with glutamine, which is neutral and polar, at codon 117 of the DNAAF1 protein (p.Lys117Gln). This variant is not present in population databases (gnomAD no frequency). This variant has not been reported in the literature in individuals affected with DNAAF1-related conditions. An algorithm developed to predict the effect of missense changes on protein structure and function (PolyPhen-2) suggests that this variant is likely to be disruptive. In summary, the available evidence is currently insufficient to determine the role of this variant in disease. Therefore, it has been classified as a Variant of Uncertain Significance.

NM_178452.6(DNAAF1):c.349A>C (p.Lys117Gln)

Gene: DNAAF1 (dynein axonemal assembly factor 1; plus strand). Cytogenetic location: 16q24.1.
Variant type: single nucleotide variant.
Coding change: c.349A>C on transcript NM_178452.6 (MANE Select); coding-DNA position 349, A replaced by C.
Protein change: p.Lys117Gln; replaces lysine 117 with glutamine.
Molecular consequence: missense variant.
Genome position (GRCh38, 1-based): chr16:84,150,339, A>C. VCF-style: chr16-84150339-A-C. GRCh37 (hg19) VCF-style: chr16-84183944-A-C.
Other names: short protein forms K117Q.
Identifiers: ClinVar variation 3630270 (VCV003630270.2).